The following is an entry in ClinVar:

ClinVar aggregate classification (germline): Pathogenic (1 of 4 stars; one submission).

Conditions:
Landau-Kleffner syndrome (FESD). Also called: EPILEPSY, FOCAL, WITH SPEECH DISORDER AND WITH OR WITHOUT MENTAL RETARDATION; APHASIA, ACQUIRED, WITH EPILEPSY. Identifiers: Orphanet 1945, Orphanet 725, Orphanet 98818, MedGen C0282512, MONDO:0009509, OMIM 245570.

Submission:

Labcorp Genetics (formerly Invitae), Labcorp
Classification: Pathogenic for Landau-Kleffner syndrome. Last evaluated: 2024-11-03. Review status: criteria provided, single submitter. Criteria: Invitae Variant Classification Sherloc (09022015). Collection method: clinical testing. Allele origin: germline.
Comment: This sequence change creates a premature translational stop signal (p.Glu1102*) in the GRIN2A gene. While this is not anticipated to result in nonsense mediated decay, it is expected to disrupt the last 363 amino acid(s) of the GRIN2A protein. This variant is not present in population databases (gnomAD no frequency). This variant has not been reported in the literature in individuals affected with GRIN2A-related conditions. ClinVar contains an entry for this variant (Variation ID: 2093890). This variant disrupts a region of the GRIN2A protein in which other variant(s) (p.Trp1271*) have been determined to be pathogenic (PMID: 29961510). This suggests that this is a clinically significant region of the protein, and that variants that disrupt it are likely to be disease-causing. For these reasons, this variant has been classified as Pathogenic.

Literature cited by the submitters: PubMed 29961510.

NM_001134407.3(GRIN2A):c.3304G>T (p.Glu1102Ter)

Gene: GRIN2A (glutamate ionotropic receptor NMDA type subunit 2A; minus strand). Cytogenetic location: 16p13.2.
Variant type: single nucleotide variant.
Coding change: c.3304G>T on transcript NM_001134407.3 (MANE Select); coding-DNA position 3304, G replaced by T.
Protein change: p.Glu1102Ter; replaces glutamic acid 1102 with a stop codon.
Molecular consequence: nonsense.
Genome position (GRCh38, 1-based): chr16:9,764,240, C>A on the plus strand (G>T on the coding strand, the complement: GRIN2A is on the minus strand). VCF-style: chr16-9764240-C-A. GRCh37 (hg19) VCF-style: chr16-9858097-C-A.
Other names: c.3304G>T, p.Glu1102Ter (NM_000833.5, NM_001134408.2); short protein forms E1102*.
Identifiers: ClinVar variation 2093890 (VCV002093890.4), dbSNP rs770546037, ClinGen allele CA394708155.